The following is an entry in ClinVar:

ClinVar aggregate classification (germline): Uncertain significance (1 of 4 stars; one submission).

Allele frequency attached by ClinVar (database versions not stated): gnomAD exomes below 0.00001.
gnomAD v4.1: 4 of 1,613,924 alleles (0.00025%); highest among the groups gnomAD compares: Non-Finnish European, 0.00034%; no homozygotes.

Submission:

Labcorp Genetics (formerly Invitae), Labcorp
Classification: Uncertain significance. Last evaluated: 2024-11-05. Review status: criteria provided, single submitter. Criteria: Invitae Variant Classification Sherloc (09022015). Collection method: clinical testing. Allele origin: germline.
Comment: This sequence change replaces serine, which is neutral and polar, with isoleucine, which is neutral and non-polar, at codon 2803 of the PCLO protein (p.Ser2803Ile). This variant is present in population databases (no rsID available, gnomAD 0.007%). This variant has not been reported in the literature in individuals affected with PCLO-related conditions. ClinVar contains an entry for this variant (Variation ID: 2799960). Experimental studies and prediction algorithms are not available or were not evaluated, and the functional significance of this variant is currently unknown. In summary, the available evidence is currently insufficient to determine the role of this variant in disease. Therefore, it has been classified as a Variant of Uncertain Significance.

NM_033026.6(PCLO):c.8408G>T (p.Ser2803Ile)

Gene: PCLO (piccolo presynaptic cytomatrix protein; minus strand). Cytogenetic location: 7q21.11.
Variant type: single nucleotide variant.
Coding change: c.8408G>T on transcript NM_033026.6 (MANE Select); coding-DNA position 8408, G replaced by T.
Protein change: p.Ser2803Ile; replaces serine 2803 with isoleucine.
Molecular consequence: missense variant.
Genome position (GRCh38, 1-based): chr7:82,952,545, C>A on the plus strand (G>T on the coding strand, the complement: PCLO is on the minus strand). VCF-style: chr7-82952545-C-A. GRCh37 (hg19) VCF-style: chr7-82581861-C-A.
Other names: c.8408G>T, p.Ser2803Ile (NM_014510.3); short protein forms S2803I.
Identifiers: ClinVar variation 2799960 (VCV002799960.3), dbSNP rs1180703247, ClinGen allele CA367911214.